The following is an entry in ClinVar:

NM_144596.4(TTC8):c.607G>A (p.Glu203Lys)

Gene: TTC8 (tetratricopeptide repeat domain 8; plus strand). Cytogenetic location: 14q31.3.
Variant type: single nucleotide variant.
Coding change: c.607G>A on transcript NM_144596.4 (MANE Select); coding-DNA position 607, G replaced by A.
Protein change: p.Glu203Lys; replaces glutamic acid 203 with lysine.
Molecular consequence: missense variant. On other transcripts: 5 prime UTR variant (1), non-coding transcript variant (1), intron variant (1).
Genome position (GRCh38, 1-based): chr14:88,843,833, G>A. VCF-style: chr14-88843833-G-A. GRCh37 (hg19) VCF-style: chr14-89310177-G-A.
Other names: c.577G>A, p.Glu193Lys (NM_001288781.1, NM_001366535.2, NM_198309.3); c.-171G>A (NM_001288783.1); c.487G>A, p.Glu163Lys (NM_001366536.2, NM_198310.3); c.30+2276G>A (NM_001288782.1); c.607G>A (NM_144596.3); short protein forms E163K, E193K, E203K.
Identifiers: ClinVar variation 846493 (VCV000846493.12), dbSNP rs1018209116, ClinGen allele CA264561987.

ClinVar aggregate classification (germline): Uncertain significance. Review status: criteria provided, multiple submitters, no conflicts (2 of 4 stars). 3 submissions from 3 submitters: Uncertain significance (3). Last evaluated 2025-10-28.

Conditions:
TTC8-related disorder. Also called: TTC8-related condition.
Retinitis pigmentosa 51 (RP51). Identifiers: Orphanet 791, MedGen C3150715, MONDO:0013274, OMIM 613464.
Bardet-Biedl syndrome 8 (BBS8). Identifiers: Orphanet 110, MedGen C1859566, MONDO:0014436, OMIM 615985.
Bardet-Biedl syndrome (BBS). Identifiers: Orphanet 110, MedGen C0752166, MONDO:0015229.

Allele frequency attached by ClinVar (database versions not stated): gnomAD exomes below 0.00001; gnomAD 0.00001 and 0.00002; TOPMed 0.00003.
gnomAD v4.1: 4 of 1,593,708 alleles (0.00025%); highest among the groups gnomAD compares: African/African-American, 0.0027%; no homozygotes.

Submissions (3):

PreventionGenetics, part of Exact Sciences
Classification: Uncertain significance for TTC8-related condition. Last evaluated: 2025-10-28. Review status: criteria provided, single submitter. Criteria: ACMG Guidelines, 2015. Collection method: clinical testing. Allele origin: germline.
Comment: The TTC8 c.607G>A variant is predicted to result in the amino acid substitution p.Glu203Lys. To our knowledge, this variant has not been reported in the literature. This variant is reported in 0.023% of alleles in individuals of African descent in gnomAD. At this time, the clinical significance of this variant is uncertain due to the absence of conclusive functional and genetic evidence.

Fulgent Genetics
Classification: Uncertain significance for Retinitis pigmentosa 51; Bardet-Biedl syndrome 8. Last evaluated: 2024-04-18. Review status: criteria provided, single submitter. Criteria: ACMG Guidelines, 2015. Collection method: clinical testing. Allele origin: germline.

Labcorp Genetics (formerly Invitae), Labcorp
Classification: Uncertain significance for Bardet-Biedl syndrome. Last evaluated: 2023-07-03. Review status: criteria provided, single submitter. Criteria: Invitae Variant Classification Sherloc (09022015). Collection method: clinical testing. Allele origin: germline.
Comment: In summary, the available evidence is currently insufficient to determine the role of this variant in disease. Therefore, it has been classified as a Variant of Uncertain Significance. Advanced modeling of protein sequence and biophysical properties (such as structural, functional, and spatial information, amino acid conservation, physicochemical variation, residue mobility, and thermodynamic stability) performed at Invitae indicates that this missense variant is expected to disrupt TTC8 protein function. ClinVar contains an entry for this variant (Variation ID: 846493). This variant has not been reported in the literature in individuals affected with TTC8-related conditions. This variant is present in population databases (no rsID available, gnomAD 0.02%). This sequence change replaces glutamic acid, which is acidic and polar, with lysine, which is basic and polar, at codon 193 of the TTC8 protein (p.Glu193Lys).